The following is an entry in ClinVar:

NM_005618.4(DLL1):c.2166G>A (p.Glu722=)

Genes: DLL1 (delta like canonical Notch ligand 1; minus strand), LOC126859913 (P300/CBP strongly-dependent group 1 enhancer GRCh37_chr6:170591232-170592431; plus strand). Cytogenetic location: 6q27.
Variant type: single nucleotide variant.
Coding change: c.2166G>A on transcript NM_005618.4 (MANE Select); coding-DNA position 2166, G replaced by A.
Protein change: p.Glu722=; no amino-acid change (glutamic acid 722 retained).
Molecular consequence: synonymous variant.
Genome position (GRCh38, 1-based): chr6:170,282,988, C>T on the plus strand (G>A on the coding strand, the complement: DLL1 is on the minus strand). VCF-style: chr6-170282988-C-T. GRCh37 (hg19) VCF-style: chr6-170592076-C-T.
Other names: NC_000006.11:g.170592076C>T.
Identifiers: ClinVar variation 4323631 (VCV004323631.2).

ClinVar aggregate classification (germline): Uncertain significance (1 of 4 stars; one submission).

Conditions:
Neurodevelopmental disorder with nonspecific brain abnormalities and with or without seizures. Identifiers: MedGen C5231470, MONDO:0032877, OMIM 618709.

gnomAD v4.1: 7 of 1,614,076 alleles (0.00043%); highest among the groups gnomAD compares: Non-Finnish European, 0.00059%; no homozygotes.

Submissions (2):

Clinical Genomics Laboratory, Washington University in St. Louis
Classification: Uncertain significance for Neurodevelopmental disorder with nonspecific brain abnormalities and with or without seizures. Last evaluated: 2025-10-05. Review status: criteria provided, single submitter. Criteria: ACMG Guidelines, 2015. Collection method: clinical testing. Allele origin: germline.
Comment: The DLL1 c.2166G>A (p.Glu722=) variant, to our knowledge, has not been reported in the medical literature and is only observed on 7/1614076 alleles in the general population (gnomAD v.4.1.0), indicating it is not a common variant. This is a synonymous variant that occurs in the last nucleotide of an exon, a position that is highly conserved and important for proper mRNA splicing. Consistent with the critical role for this nucleotide in splicing, computational predictors indicate that this variant would alter splicing, resulting in an out of frame transcript, evidence that correlates to an impact of this variant on DLL1 function. Due to limited information, and based on ACMG/AMP guidelines for variant interpretation (Richards S et al., PMID: 25741868), the clinical significance of this variant is uncertain at this time.

Dr. Peter K. Rogan Lab, Western University
No classification provided (evidence only). Condition: Adrenocortical carcinoma, hereditary. Review status: no classification provided. Collection method: in vitro. Allele origin: not applicable. Functional consequence: retained intron. Not counted in ClinVar's aggregate classification.